The following is an entry in ClinVar:

ClinVar aggregate classification (germline): Uncertain significance (1 of 4 stars; one submission).

Conditions:
Atypical hemolytic-uremic syndrome. Identifiers: Orphanet 2134, MedGen C2931788, MONDO:0016244.

Submission:

Genomenon, Inc
Classification: Uncertain significance for Atypical hemolytic-uremic syndrome. Last evaluated: 2025-09-30. Review status: criteria provided, single submitter. Criteria: Genomenon Sequence Variant Interpretation Standards. Collection method: curation. Allele origin: germline. Affected: yes.
Comment: C3 p.Cys1158Trp (c.3474C>G) is a missense variant that changes the amino acid at residue 1158 from Cysteine to Tryptophan. This variant has been observed in at least one proband affected with atypical hemolytic-uremic syndrome (PMID:18796626). It is absent or not present at a significant frequency in gnomAD. In conclusion, we classify C3 p.Cys1158Trp (c.3474C>G) as a variant of unknown significance.

Literature cited by the submitters: PubMed 18796626.

NM_000064.4(C3):c.3474C>G (p.Cys1158Trp)

Gene: C3 (complement C3; minus strand). Cytogenetic location: 19p13.3.
Variant type: single nucleotide variant.
Coding change: c.3474C>G on transcript NM_000064.4 (MANE Select); coding-DNA position 3474, C replaced by G.
Protein change: p.Cys1158Trp; replaces cysteine 1158 with tryptophan.
Molecular consequence: missense variant.
Genome position (GRCh38, 1-based): chr19:6,690,644, G>C on the plus strand (C>G on the coding strand, the complement: C3 is on the minus strand). VCF-style: chr19-6690644-G-C. GRCh37 (hg19) VCF-style: chr19-6690655-G-C.
Other names: short protein forms C1158W.
Identifiers: ClinVar variation 4280212 (VCV004280212.1).